The following is an entry in ClinVar:

ClinVar aggregate classification (germline): Uncertain significance (1 of 4 stars; one submission).

gnomAD v4.1: 4 of 1,614,006 alleles (0.00025%); highest among the groups gnomAD compares: African/African-American, 0.0053%; no homozygotes.

Submission:

GeneDx
Classification: Uncertain significance. Last evaluated: 2025-05-25. Review status: criteria provided, single submitter. Criteria: GeneDx Variant Classification Process June 2021. Collection method: clinical testing. Allele origin: germline. Affected: yes.
Comment: Not observed at significant frequency in large population cohorts (gnomAD); In silico analysis supports that this missense variant has a deleterious effect on protein structure/function; Has not been previously published as pathogenic or benign to our knowledge; Does not affect a cysteine or calcium-binding residue within an EGF-like domain or a TGF-binding protein domain of the FBN1 gene; cysteine substitutions in the EGF-like domains represent the majority of pathogenic missense changes associated with FBN1-related disorders (PMID: 12938084); This variant is associated with the following publications: (PMID: 12938084)

NM_000138.5(FBN1):c.5533G>C (p.Gly1845Arg)

Gene: FBN1 (fibrillin 1; minus strand). Cytogenetic location: 15q21.1.
Variant type: single nucleotide variant.
Coding change: c.5533G>C on transcript NM_000138.5 (MANE Select); coding-DNA position 5533, G replaced by C.
Protein change: p.Gly1845Arg; replaces glycine 1845 with arginine.
Molecular consequence: missense variant.
Genome position (GRCh38, 1-based): chr15:48,452,574, C>G on the plus strand (G>C on the coding strand, the complement: FBN1 is on the minus strand). VCF-style: chr15-48452574-C-G. GRCh37 (hg19) VCF-style: chr15-48744771-C-G.
Other names: c.5533G>C, p.Gly1845Arg (NM_001406716.1); short protein forms G1845R.
Identifiers: ClinVar variation 4536316 (VCV004536316.1).